The following is an entry in ClinVar:

ClinVar aggregate classification (germline): Likely pathogenic (1 of 4 stars; one submission).

Submission:

Labcorp Genetics (formerly Invitae), Labcorp
Classification: Likely pathogenic. Last evaluated: 2023-08-30. Review status: criteria provided, single submitter. Criteria: Invitae Variant Classification Sherloc (09022015). Collection method: clinical testing. Allele origin: germline.
Comment: In summary, the currently available evidence indicates that the variant is pathogenic, but additional data are needed to prove that conclusively. Therefore, this variant has been classified as Likely Pathogenic. Algorithms developed to predict the effect of sequence changes on RNA splicing suggest that this variant may disrupt the consensus splice site. This variant has not been reported in the literature in individuals affected with OTOF-related conditions. This variant is not present in population databases (gnomAD no frequency). This sequence change affects an acceptor splice site in intron 33 of the OTOF gene. It is expected to disrupt RNA splicing. Variants that disrupt the donor or acceptor splice site typically lead to a loss of protein function (PMID: 16199547), and loss-of-function variants in OTOF are known to be pathogenic (PMID: 18381613, 19250381, 22575033).

Literature cited by the submitters: PubMed 16199547; PubMed 18381613; PubMed 19250381; PubMed 22575033.

NM_194248.3(OTOF):c.4091-2A>C

Gene: OTOF (otoferlin; minus strand). Cytogenetic location: 2p23.3.
Variant type: single nucleotide variant.
Coding change: c.4091-2A>C on transcript NM_194248.3 (MANE Select); the canonical splice acceptor site of the intron before coding-DNA position 4091, A replaced by C.
Molecular consequence: splice acceptor variant.
Genome position (GRCh38, 1-based): chr2:26,467,503, T>G on the plus strand (A>C on the coding strand, the complement: OTOF is on the minus strand). VCF-style: chr2-26467503-T-G. GRCh37 (hg19) VCF-style: chr2-26690371-T-G.
Other names: c.4091-2A>C (NM_001287489.2); c.1790-2A>C (NM_194323.3, NM_004802.4); c.2021-2A>C (NM_194322.3).
Identifiers: ClinVar variation 2756569 (VCV002756569.3), dbSNP rs1664789878, ClinGen allele CA346137476.
Genomic context (GRCh38, chr2:26,467,503, plus strand): 5'-CTTCTTCTCCTCTTTGGCAGCCCTTGCCTTCTCCTTGCCCTTCATTGACCCCTTCAGGCC[T>G]GGCCAGAAGCAGAAAAGGAGGTGGAGCAGAAATGAGCAGAGCAGGAAGGCCTGGATTCGA-3'